The following is an entry in ClinVar:

NM_000426.4(LAMA2):c.2451-14C>G

Gene: LAMA2 (laminin subunit alpha 2; plus strand). Cytogenetic location: 6q22.33.
Variant type: single nucleotide variant.
Coding change: c.2451-14C>G on transcript NM_000426.4 (MANE Select); 14 bases into the intron before coding-DNA position 2451, C replaced by G.
Molecular consequence: intron variant.
Genome position (GRCh38, 1-based): chr6:129,280,047, C>G. VCF-style: chr6-129280047-C-G. GRCh37 (hg19) VCF-style: chr6-129601192-C-G.
Other names: c.2451-14C>G (NM_001079823.2).
Identifiers: ClinVar variation 2049758 (VCV002049758.4), dbSNP rs2482251509, ClinGen allele CA2580075039.

ClinVar aggregate classification (germline): Uncertain significance (1 of 4 stars; one submission).

Conditions:
LAMA2-related muscular dystrophy (LAMA2-RD). Also called: Laminin alpha 2-related dystrophy. Identifiers: MedGen C5679788, MONDO:0100228.

Submission:

Labcorp Genetics (formerly Invitae), Labcorp
Classification: Uncertain significance for LAMA2-related muscular dystrophy. Last evaluated: 2021-12-29. Review status: criteria provided, single submitter. Criteria: Invitae Variant Classification Sherloc (09022015). Collection method: clinical testing. Allele origin: germline.
Comment: In summary, the available evidence is currently insufficient to determine the role of this variant in disease. Therefore, it has been classified as a Variant of Uncertain Significance. Algorithms developed to predict the effect of sequence changes on RNA splicing suggest that this variant may create or strengthen a splice site. This variant has not been reported in the literature in individuals affected with LAMA2-related conditions. This variant is not present in population databases (gnomAD no frequency). This sequence change falls in intron 17 of the LAMA2 gene. It does not directly change the encoded amino acid sequence of the LAMA2 protein.